The following is an entry in ClinVar:

ClinVar aggregate classification (germline): Likely benign. Review status: criteria provided, multiple submitters, no conflicts (2 of 4 stars). 2 submissions from 2 submitters: Likely benign (2). Last evaluated 2026-04-13.

Conditions:
DICER1-related tumor predisposition. Also called: DICER1 syndrome; DICER1-related pleuropulmonary blastoma cancer predisposition syndrome. Identifiers: Orphanet 284343, MedGen C3839822, MONDO:0100216.

Allele frequency attached by ClinVar (database versions not stated): TOPMed below 0.00001.

Submissions (2):

Myriad Genetics, Inc.
Classification: Likely benign for DICER1-related tumor predisposition. Last evaluated: 2026-04-13. Review status: criteria provided, single submitter. Criteria: Myriad Autosomal Dominant, Autosomal Recessive and X-Linked Classification Criteria (2023). Collection method: clinical testing. Allele origin: unknown.
Comment: This variant is considered likely benign. This variant is intronic and is not expected to impact mRNA splicing.

Labcorp Genetics (formerly Invitae), Labcorp
Classification: Likely benign for DICER1-related tumor predisposition. Last evaluated: 2025-08-07. Review status: criteria provided, single submitter. Criteria: Invitae Variant Classification Sherloc (09022015). Collection method: clinical testing. Allele origin: germline.

NM_177438.3(DICER1):c.1908-15T>C

Gene: DICER1 (dicer 1, ribonuclease III; minus strand). Cytogenetic location: 14q32.13.
Variant type: single nucleotide variant.
Coding change: c.1908-15T>C on transcript NM_177438.3 (MANE Select); 15 bases into the intron before coding-DNA position 1908, T replaced by C.
Molecular consequence: intron variant.
Genome position (GRCh38, 1-based): chr14:95,113,239, A>G on the plus strand (T>C on the coding strand, the complement: DICER1 is on the minus strand). VCF-style: chr14-95113239-A-G. GRCh37 (hg19) VCF-style: chr14-95579576-A-G.
Other names: c.1908-15T>C (NM_001291628.2, NM_030621.4, NM_001395677.1 and 12 more transcripts); c.1503-15T>C (NM_001395690.1, NM_001395687.1, NM_001395689.1 and 3 more transcripts); c.1626-15T>C (NM_001395686.1); c.1341-15T>C (NM_001395691.1); c.225-15T>C (NM_001395697.1).
Identifiers: ClinVar variation 2038178 (VCV002038178.5), dbSNP rs1892142776, ClinGen allele CA2156311463.